The following is an entry in ClinVar:

NM_020436.5(SALL4):c.1391C>T (p.Pro464Leu)

Gene: SALL4 (spalt like transcription factor 4; minus strand). Cytogenetic location: 20q13.2.
Variant type: single nucleotide variant.
Coding change: c.1391C>T on transcript NM_020436.5 (MANE Select); coding-DNA position 1391, C replaced by T.
Protein change: p.Pro464Leu; replaces proline 464 with leucine.
Molecular consequence: missense variant. On other transcripts: intron variant (1).
Genome position (GRCh38, 1-based): chr20:51,791,092, G>A on the plus strand (C>T on the coding strand, the complement: SALL4 is on the minus strand). VCF-style: chr20-51791092-G-A. GRCh37 (hg19) VCF-style: chr20-50407631-G-A.
Other names: c.1150+241C>T (NM_001318031.2); c.1391C>T (NM_020436.4); short protein forms P464L.
Identifiers: ClinVar variation 800255 (VCV000800255.12), dbSNP rs139485493, ClinGen allele CA9912297.
Genomic context (GRCh38, chr20:51,791,092, plus strand): 5'-CCTACAGAGGTGGTTACAAGGACAGGTTTGCTGTCTAAAGAAAGACTCGGTTCATCTATG[G>A]GGTCAGGTACAGAGAGTGCATAGGGGATGCCATTGCCGGCCGCCACTTTGTCCTGGAACT-3'
Protein context (NP_065169.1, residues 454-474): GIPYALSVPD[Pro464Leu]IDEPSLSLDS

ClinVar aggregate classification (germline): Likely benign. Review status: criteria provided, multiple submitters, no conflicts (2 of 4 stars). 3 submissions from 3 submitters: Likely benign (2). 1 of the submissions does not count toward it. Last evaluated 2025-12-18.

Conditions:
SALL4-Related Disorders. Also called: SALL4-related disorder; SALL4-related condition. Identifiers: MedGen CN381056.
Duane-radial ray syndrome (DRRS). Also called: ACRORENOOCULAR SYNDROME; DR SYNDROME; DUANE ANOMALY WITH RADIAL RAY ABNORMALITIES AND DEAFNESS; Duane-Radial Ray Syndrome/Okihiro Syndrome; Duane-Radial Ray Syndrome (DRRS) / Okihiro Syndrome; Okihiro Syndrome. Identifiers: Orphanet 93293, Orphanet 959, MedGen C1623209, MONDO:0011812, OMIM 607323. Disease mechanism: gain of function.

Allele frequency attached by ClinVar (database versions not stated): gnomAD exomes 0.00004 and 0.00008; ExAC 0.00009; ESP Exome Variant Server 0.00023; gnomAD 0.00029 and 0.00031; 1000 Genomes Project 30x 0.00031; 1000 Genomes Project 0.00040; TOPMed 0.00042.
gnomAD v4.1: 103 of 1,614,138 alleles (0.0064%); highest among the groups gnomAD compares: African/African-American, 0.13%; no homozygotes.

Submissions (3):

Labcorp Genetics (formerly Invitae), Labcorp
Classification: Likely benign for Duane-radial ray syndrome. Last evaluated: 2025-12-18. Review status: criteria provided, single submitter. Criteria: Invitae Variant Classification Sherloc (09022015). Collection method: clinical testing. Allele origin: germline.

Breakthrough Genomics
Classification: Likely benign. Review status: criteria provided, single submitter. Criteria: ACMG Guidelines, 2015. Collection method: not provided. Allele origin: germline. Inheritance: Autosomal dominant inheritance. Affected: yes.

PreventionGenetics, part of Exact Sciences
Classification: Likely benign for SALL4-related condition. Last evaluated: 2022-09-07. Review status: no assertion criteria provided. Collection method: clinical testing. Allele origin: germline. Not counted in ClinVar's aggregate classification.
Comment: This variant is classified as likely benign based on ACMG/AMP sequence variant interpretation guidelines (Richards et al. 2015 PMID: 25741868, with internal and published modifications).